The following is an entry in ClinVar:

ClinVar aggregate classification (germline): Uncertain significance (1 of 4 stars; one submission).

Allele frequency attached by ClinVar (database versions not stated): TOPMed below 0.00001; gnomAD exomes 0.00001; ExAC 0.00003.
gnomAD v4.1: 11 of 1,612,390 alleles (0.00068%); highest among the groups gnomAD compares: South Asian, 0.011%; no homozygotes.

Submission:

GeneDx
Classification: Uncertain significance. Last evaluated: 2016-11-28. Review status: criteria provided, single submitter. Criteria: GeneDx Variant Classification (06012015). Collection method: clinical testing. Allele origin: germline. Affected: yes.
Comment: A variant of uncertain significance has been identified in the TRPM4 gene. The c.2778+11 G>T variant has not been published as a pathogenic variant, nor has it been reported as a benign variant to our knowledge. This variant was not observed in approximately 6,500 individuals of European and African American ancestry in the NHLBI Exome Sequencing Project, indicating it is not a common benign variant in these populations. This substitution occurs at a nucleotide that is conserved in mammals. However, Thymine is the wild-type nucleotide at this position in at least one species. Nevertheless, in silico splice prediction programs predict this variant creates a cryptic splice donor site downstream of the natural splice donor site, and may result in abnormal splicing. This variant may lead to either an abnormal message that is subject to nonsense-mediated mRNA decay, or to an abnormal protein product if the message is used for protein translation. However, in the absence of functional mRNA studies, the physiological consequence of this variant cannot be precisely determined. Furthermore, no splice site variants in the TRPM4 gene have been reported in the Human Gene Mutation Database (Stenson et al., 2014).Therefore, based on the currently available information, it is unclear whether this variant is pathogenic or benign.

NM_017636.4(TRPM4):c.2778+11G>T

Gene: TRPM4 (transient receptor potential cation channel subfamily M member 4; plus strand). Cytogenetic location: 19q13.33.
Variant type: single nucleotide variant.
Coding change: c.2778+11G>T on transcript NM_017636.4 (MANE Select); 11 bases into the intron after coding-DNA position 2778, G replaced by T.
Molecular consequence: intron variant.
Genome position (GRCh38, 1-based): chr19:49,200,443, G>T. VCF-style: chr19-49200443-G-T. GRCh37 (hg19) VCF-style: chr19-49703700-G-T.
Other names: c.2343+11G>T (NM_001195227.2); c.1170+11G>T (NM_001321282.2); c.2433+11G>T (NM_001321281.2); c.2256+11G>T (NM_001321283.2); c.1716+11G>T (NM_001321285.2).
Identifiers: ClinVar variation 373476 (VCV000373476.1), dbSNP rs757681782, ClinGen allele CA9569649.